The following is an entry in ClinVar:

ClinVar aggregate classification (germline): Uncertain significance. Review status: criteria provided, multiple submitters, no conflicts (2 of 4 stars). 2 submissions from 2 submitters: Uncertain significance (2). Last evaluated 2022-06-13.

Conditions:
Early-infantile DEE. Also called: Ohtahara syndrome; Early infantile epileptic encephalopathy with suppression bursts; Early infantile epileptic encephalopathy. Identifiers: Orphanet 1934, MedGen C0393706, MONDO:0800491.

Allele frequency attached by ClinVar (database versions not stated): gnomAD 0.00001; gnomAD exomes 0.00001; TOPMed 0.00001.
gnomAD v4.1: 15 of 1,613,984 alleles (0.00093%); highest among the groups gnomAD compares: Non-Finnish European, 0.0013%; no homozygotes.

Submissions (2):

Labcorp Genetics (formerly Invitae), Labcorp
Classification: Uncertain significance for Early-infantile DEE. Last evaluated: 2022-06-13. Review status: criteria provided, single submitter. Criteria: Invitae Variant Classification Sherloc (09022015). Collection method: clinical testing. Allele origin: germline.
Comment: In summary, the available evidence is currently insufficient to determine the role of this variant in disease. Therefore, it has been classified as a Variant of Uncertain Significance. Advanced modeling of protein sequence and biophysical properties (such as structural, functional, and spatial information, amino acid conservation, physicochemical variation, residue mobility, and thermodynamic stability) performed at Invitae indicates that this missense variant is not expected to disrupt HCN1 protein function. This variant has not been reported in the literature in individuals affected with HCN1-related conditions. This variant is not present in population databases (gnomAD no frequency). This sequence change replaces glycine, which is neutral and non-polar, with serine, which is neutral and polar, at codon 612 of the HCN1 protein (p.Gly612Ser).

GeneDx
Classification: Uncertain significance. Last evaluated: 2022-05-16. Review status: criteria provided, single submitter. Criteria: GeneDx Variant Classification Process June 2021. Collection method: clinical testing. Allele origin: germline. Affected: yes.
Comment: Not observed at significant frequency in large population cohorts (gnomAD); In silico analysis supports that this missense variant has a deleterious effect on protein structure/function; Has not been previously published as pathogenic or benign to our knowledge

NM_021072.4(HCN1):c.1834G>A (p.Gly612Ser)

Gene: HCN1 (hyperpolarization activated cyclic nucleotide gated potassium channel 1; minus strand). Cytogenetic location: 5p12.
Variant type: single nucleotide variant.
Coding change: c.1834G>A on transcript NM_021072.4 (MANE Select); coding-DNA position 1834, G replaced by A.
Protein change: p.Gly612Ser; replaces glycine 612 with serine.
Molecular consequence: missense variant.
Genome position (GRCh38, 1-based): chr5:45,262,760, C>T on the plus strand (G>A on the coding strand, the complement: HCN1 is on the minus strand). VCF-style: chr5-45262760-C-T. GRCh37 (hg19) VCF-style: chr5-45262862-C-T.
Other names: short protein forms G612S.
Identifiers: ClinVar variation 1433753 (VCV001433753.8), dbSNP rs1744776622, ClinGen allele CA359704629.